The following continues an entry in ClinVar:

NM_001042492.3(NF1):c.7549C>T (p.Arg2517Ter)

Gene: NF1. ClinVar aggregate classification (germline): Pathogenic. Pathogenic (27). ClinVar aggregate classification (oncogenicity): Likely oncogenic.

Submissions 14 to 30 of 30:

Institute of Medical Genetics and Applied Genomics, University Hospital Tübingen
Classification: Pathogenic for Neurofibromatosis, type 1. Last evaluated: 2022-11-18. Review status: criteria provided, single submitter. Criteria: ACMG Guidelines, 2015. Collection method: clinical testing. Allele origin: germline. Inheritance: Autosomal dominant inheritance. Affected: yes.

Institute of Medical Genetics, University of Zurich
Classification: Pathogenic for Neurofibromatosis, type 1. Last evaluated: 2022-05-11. Review status: criteria provided, single submitter. Criteria: ACMG Guidelines, 2015. Collection method: clinical testing. Allele origin: unknown. Affected: yes.

Genome-Nilou Lab
Classification: Pathogenic for Neurofibromatosis, type 1. Last evaluated: 2022-03-15. Review status: criteria provided, single submitter. Criteria: ACMG Guidelines, 2015. Collection method: clinical testing. Allele origin: germline. Affected: no.

MGZ Medical Genetics Center
Classification: Pathogenic for Neurofibromatosis, type 1. Last evaluated: 2022-03-14. Review status: criteria provided, single submitter. Criteria: ACMG Guidelines, 2015. Collection method: clinical testing. Allele origin: germline. Affected: yes. Observed: 1 variant allele.
Comment: ACMG criteria applied: PVS1, PS4_MOD, PM2_SUP, PP4

Fulgent Genetics
Classification: Pathogenic for Neurofibromatosis, type 1; Neurofibromatosis, familial spinal; Café-au-lait macules with pulmonary stenosis; Neurofibromatosis-Noonan syndrome; Juvenile myelomonocytic leukemia. Last evaluated: 2022-03-11. Review status: criteria provided, single submitter. Criteria: ACMG Guidelines, 2015. Collection method: clinical testing. Allele origin: unknown.

Kariminejad - Najmabadi Pathology & Genetics Center
Classification: Pathogenic for Abnormality of the skin. Last evaluated: 2021-07-10. Review status: criteria provided, single submitter. Criteria: ACMG Guidelines, 2015. Collection method: clinical testing. Allele origin: germline. Affected: yes.

Athena Diagnostics
Classification: Pathogenic. Last evaluated: 2021-01-26. Review status: criteria provided, single submitter. Criteria: Athena Diagnostics criteria. Collection method: clinical testing. Allele origin: unknown.
Comment: This variant is expected to result in the loss of a functional protein. The frequency of this variant in the general population is consistent with pathogenicity. This variant has been identified in multiple unrelated individuals with clinical features associated with this gene. In some published literature, this variant is referred to as c.7549C>T; p.R2517X.

Quest Diagnostics Nichols Institute San Juan Capistrano
Classification: Pathogenic. Last evaluated: 2021-01-26. Review status: criteria provided, single submitter. Criteria: Quest Diagnostics criteria. Collection method: clinical testing. Allele origin: unknown.
Comment: This nonsense variant causes the premature termination of NF1 protein synthesis. In addition, it has been reported in individuals affected with Neurofibromatosis type 1 in the published literature (PMIDs: 29415745 (2018), 25324867 (2014), 22965773 (2012), 16835897 (2006), 10712197 (2000), 9783703 (1998), and 7981679 (1994)). Based on the available information, this variant is classified is pathogenic.

Genome Diagnostics Laboratory, The Hospital for Sick Children
Classification: Pathogenic for Neurofibromatosis, type 1. Last evaluated: 2020-10-26. Review status: criteria provided, single submitter. Criteria: ACMG Guidelines, 2015. Collection method: clinical testing. Allele origin: germline. Affected: yes.

GeneDx
Classification: Pathogenic. Last evaluated: 2020-08-03. Review status: criteria provided, single submitter. Criteria: GeneDx Variant Classification Process June 2021. Collection method: clinical testing. Allele origin: germline. Affected: yes.
Comment: Nonsense variant predicted to result in protein truncation in a gene for which loss-of-function is a known mechanism of disease; This variant is associated with the following publications: (PMID: 7981679, 27838393, 30530636, 25525159, 25324867, 26056819, 9783703, 10862084, 27930734, 18041031, 10712197, 11857752, 28135719, 22965773, 16835897, 18546366, 15060124, 29415745, 23460398, 10678181, 31766501, 30098238, 31776437)

Women's Health and Genetics/Laboratory Corporation of America, LabCorp
Classification: Pathogenic for Neurofibromatosis, type 1. Last evaluated: 2018-05-25. Review status: criteria provided, single submitter. Criteria: LabCorp Variant Classification Summary - May 2015. Collection method: clinical testing. Allele origin: germline.
Comment: Variant summary: NF1 c.7486C>T (p.Arg2496X) results in a premature termination codon, predicted to cause a truncation of the encoded protein (12%) or absence of the protein due to nonsense mediated decay, which are commonly known mechanisms for disease. The variant was absent in 121268 control chromosomes. The c.7486C>T has been reported in the literature in multiple individuals affected with Neurofibromatosis Type 1, both in sporadic and familial cases. These data indicate that the variant is very likely to be associated with disease. To our knowledge, no experimental evidence demonstrating an impact on protein function has been reported. Four clinical diagnostic laboratories have submitted clinical-significance assessments for this variant to ClinVar after 2014 without evidence for independent evaluation. All laboratories classified the variant as pathogenic. Based on the evidence outlined above, the variant was classified as pathogenic.

ARUP Laboratories, Molecular Genetics and Genomics, ARUP Laboratories
Classification: Pathogenic. Last evaluated: 2016-11-16. Review status: criteria provided, single submitter. Criteria: ARUP Molecular Germline Variant Investigation Process. Collection method: clinical testing. Allele origin: germline.

Center for Human Genetics, Inc
Classification: Pathogenic for Neurofibromatosis, type 1. Last evaluated: 2016-11-01. Review status: criteria provided, single submitter. Criteria: ACMG Guidelines, 2015. Collection method: clinical testing. Allele origin: germline. Affected: yes.

Ambry Genetics
Classification: Pathogenic for Hereditary cancer-predisposing syndrome. Last evaluated: 2015-02-18. Review status: criteria provided, single submitter. Criteria: Ambry Autosomal Dominant and X-Linked criteria (10/2015). Collection method: clinical testing. Allele origin: germline. Observed: 1 variant allele.
Comment: The p.R2517* pathogenic mutation (also known as c.7549C>T) located in coding exon 51 of the NF1 gene, results from a C to T substitution at nucleotide position 7549. This changes the amino acid from an arginine to a stop codon within coding exon 51. This mutation (reported as R2496X) has been detected in an individual with sporadic NF1 (Purandare S et al, Hum. Mol. Genet. 1994 Jul; 3(7):1109-15). In addition to the clinical data presented in the literature, since premature stop codons are typically deleterious in nature, this alteration is interpreted as a disease-causing mutation (ACMG Recommendations for Standards for Interpretation and Reporting of Sequence Variations. Revision 2007. Genet Med. 2008;10:294).

Juno Genomics, Hangzhou Juno Genomics, Inc
Classification: Pathogenic for Neurofibromatosis, type 1. Review status: criteria provided, single submitter. Criteria: ACMG Guidelines, 2015. Collection method: clinical testing. Allele origin: germline. Affected: yes.
Comment: Absent from controls (or at extremely low frequency if recessive) in Genome Aggregation Database, Exome Sequencing Project, 1000 Genomes Project, or Exome Aggregation Consortium.;Null variant in a gene where loss of function (LOF) is a known mechanism of disease.;The prevalence of the variant in affected individuals is significantly increased compared to the prevalence in controls.

Clinical Genetics DNA and cytogenetics Diagnostics Lab, Erasmus MC, Erasmus Medical Center
Classification: Pathogenic. Review status: no assertion criteria provided. Collection method: clinical testing. Allele origin: germline. Affected: yes. Study: VKGL Data-share Consensus. Not counted in ClinVar's aggregate classification.

Joint Genome Diagnostic Labs from Nijmegen and Maastricht, Radboudumc and MUMC+
Classification: Pathogenic. Review status: no assertion criteria provided. Collection method: clinical testing. Allele origin: germline. Affected: yes. Study: VKGL Data-share Consensus. Not counted in ClinVar's aggregate classification.

Literature cited by the submitters: PubMed 10712197 (cited by 6 submitters); PubMed 23913538 (cited by Labcorp Genetics (formerly Invitae), Labcorp); PubMed 7981679 (cited by 8 submitters); PubMed 16835897 (cited by 5 submitters); PubMed 22965773 (cited by 6 submitters); PubMed 25324867 (cited by 7 submitters); PubMed 30530636 (cited by 3 submitters); PubMed 31776437 (cited by Mayo Clinic Laboratories, Mayo Clinic); PubMed 29415745 (cited by Athena Diagnostics and Quest Diagnostics Nichols Institute San Juan Capistrano); PubMed 33046013 (cited by Athena Diagnostics and Quest Diagnostics Nichols Institute San Juan Capistrano); PubMed 27838393 (cited by Athena Diagnostics and Quest Diagnostics Nichols Institute San Juan Capistrano); PubMed 9783703 (cited by Athena Diagnostics and Quest Diagnostics Nichols Institute San Juan Capistrano); PubMed 10678181 (cited by Women's Health and Genetics/Laboratory Corporation of America, LabCorp); PubMed 23460398 (cited by Women's Health and Genetics/Laboratory Corporation of America, LabCorp); PubMed 125305868 (cited by Women's Health and Genetics/Laboratory Corporation of America, LabCorp).